The following is an entry in ClinVar:

ClinVar aggregate classification (germline): Conflicting classifications of pathogenicity. Review status: criteria provided, conflicting classifications (1 of 4 stars). 11 submissions from 8 submitters: Uncertain significance (4); Benign (2); Likely benign (5). Last evaluated 2026-01-11.

Conditions:
Hereditary cancer-predisposing syndrome. Also called: Neoplastic Syndromes, Hereditary; Hereditary Cancer Syndrome; Tumor predisposition; Hereditary neoplastic syndrome. Identifiers: Orphanet 140162, MedGen C0027672, MeSH D009386, MONDO:0015356.
Autosomal dominant hypocalcemia 1 (HYPOC1). Also called: HYPOCALCEMIA, FAMILIAL. Identifiers: MedGen C3715128, MONDO:0011013, OMIM 601198.
Familial hypocalciuric hypercalcemia 1. Also called: Hypercalcemia, familial benign type 1. Identifiers: Orphanet 405, Orphanet 93372, MedGen C0342637, MONDO:0007791, OMIM 145980.
Familial hypoparathyroidism. Also called: Familial isolated hypoparathyroidism. Identifiers: Orphanet 2238, MedGen C1832648, MONDO:0016390.
Neonatal severe primary hyperparathyroidism. Identifiers: Orphanet 417, MedGen C1832615, MONDO:0009397, OMIM 239200.
Familial hypocalciuric hypercalcemia (FHH). Also called: Familial benign hypercalcemia. Identifiers: Orphanet 405, MedGen C1809471, MONDO:0018458.
Nephrolithiasis/nephrocalcinosis. Identifiers: MedGen CN580796.

Allele frequency attached by ClinVar (database versions not stated): gnomAD exomes 0.00009 and 0.00013; ExAC 0.00014; gnomAD 0.00035 and 0.00037; TOPMed 0.00037; 1000 Genomes Project 0.00040; ESP Exome Variant Server 0.00046; 1000 Genomes Project 30x 0.00047.
gnomAD v4.1: 180 of 1,614,138 alleles (0.011%); highest among the groups gnomAD compares: African/African-American, 0.083%; no homozygotes.

Submissions (11):

Labcorp Genetics (formerly Invitae), Labcorp
Classification: Likely benign for Familial hypocalciuric hypercalcemia; Autosomal dominant hypocalcemia 1. Last evaluated: 2026-01-11. Review status: criteria provided, single submitter. Criteria: Invitae Variant Classification Sherloc (09022015). Collection method: clinical testing. Allele origin: germline.

Center for Genomic Medicine, Rigshospitalet, Copenhagen University Hospital
Classification: Likely benign. Last evaluated: 2025-03-04. Review status: criteria provided, single submitter. Criteria: ACMG Guidelines, 2015. Collection method: clinical testing. Allele origin: germline.

Blueprint Genetics
Classification: Likely benign. Last evaluated: 2024-10-23. Review status: criteria provided, single submitter. Criteria: ACMG Guidelines, 2015. Collection method: clinical testing. Allele origin: germline.

Sema4
Classification: Likely benign for Hereditary cancer-predisposing syndrome. Last evaluated: 2021-01-29. Review status: criteria provided, single submitter. Criteria: Sema4 Curation Guidelines. Collection method: curation. Allele origin: germline.

Ambry Genetics
Classification: Likely benign for Nephrolithiasis/nephrocalcinosis. Last evaluated: 2018-11-16. Review status: criteria provided, single submitter. Criteria: Ambry Variant Classification Scheme 2023. Collection method: clinical testing. Allele origin: germline.

Illumina Laboratory Services, Illumina
Classification: Uncertain significance for Autosomal dominant hypocalcemia 1. Last evaluated: 2018-01-12. Review status: criteria provided, single submitter. Criteria: ICSL Variant Classification Criteria 13 December 2019. Collection method: clinical testing. Allele origin: germline.

Illumina Laboratory Services, Illumina
Classification: Uncertain significance for Neonatal severe primary hyperparathyroidism. Last evaluated: 2018-01-12. Review status: criteria provided, single submitter. Criteria: ICSL Variant Classification Criteria 13 December 2019. Collection method: clinical testing. Allele origin: germline.

Illumina Laboratory Services, Illumina
Classification: Uncertain significance for Familial hypocalciuric hypercalcemia 1. Last evaluated: 2018-01-12. Review status: criteria provided, single submitter. Criteria: ICSL Variant Classification Criteria 13 December 2019. Collection method: clinical testing. Allele origin: germline.

Illumina Laboratory Services, Illumina
Classification: Benign for Familial isolated hypoparathyroidism. Last evaluated: 2018-01-12. Review status: criteria provided, single submitter. Criteria: ICSL Variant Classification Criteria 13 December 2019. Collection method: clinical testing. Allele origin: germline.
Comment: This variant was observed in the ICSL laboratory as part of a predisposition screen in an ostensibly healthy population. It had not been previously curated by ICSL or reported in the Human Gene Mutation Database (HGMD: prior to June 1st, 2018), and was therefore a candidate for classification through an automated scoring system. Utilizing variant allele frequency, disease prevalence and penetrance estimates, and inheritance mode, an automated score was calculated to assess if this variant is too frequent to cause the disease. Based on the score and internal cut-off values, a variant classified as benign is not then subjected to further curation. The score for this variant resulted in a classification of benign for this disease.

Athena Diagnostics
Classification: Benign. Last evaluated: 2017-12-30. Review status: criteria provided, single submitter. Criteria: Athena Diagnostics Criteria. Collection method: clinical testing. Allele origin: germline.

Eurofins Ntd Llc (ga)
Classification: Uncertain significance. Last evaluated: 2015-11-11. Review status: criteria provided, single submitter. Criteria: EGL Classification Definitions 2015. Collection method: clinical testing. Allele origin: germline. Observed: 1 variant allele, 1 heterozygote.

Literature cited by the submitters: PubMed 30895164 (cited by Sema4); PubMed 20164288 (cited by Sema4); PubMed 22192860 (cited by Athena Diagnostics).

NM_000388.4(CASR):c.2064C>T (p.Phe688=)

Gene: CASR (calcium sensing receptor; plus strand). Cytogenetic location: 3q21.1.
Variant type: single nucleotide variant.
Coding change: c.2064C>T on transcript NM_000388.4 (MANE Select); coding-DNA position 2064, C replaced by T.
Protein change: p.Phe688=; no amino-acid change (phenylalanine 688 retained).
Molecular consequence: synonymous variant.
Genome position (GRCh38, 1-based): chr3:122,284,018, C>T. VCF-style: chr3-122284018-C-T. GRCh37 (hg19) VCF-style: chr3-122002865-C-T.
Other names: c.2094C>T, p.Phe698= (NM_001178065.2).
Identifiers: ClinVar variation 237762 (VCV000237762.33), dbSNP rs150869744, ClinGen allele CA2569778.